The following is an entry in ClinVar:

NM_030665.4(RAI1):c.2735C>G (p.Ala912Gly)

Gene: RAI1 (retinoic acid induced 1; plus strand). Cytogenetic location: 17p11.2.
Variant type: single nucleotide variant.
Coding change: c.2735C>G on transcript NM_030665.4 (MANE Select); coding-DNA position 2735, C replaced by G.
Protein change: p.Ala912Gly; replaces alanine 912 with glycine.
Molecular consequence: missense variant.
Genome position (GRCh38, 1-based): chr17:17,795,683, C>G. VCF-style: chr17-17795683-C-G. GRCh37 (hg19) VCF-style: chr17-17698997-C-G.
Other names: short protein forms A912G.
Identifiers: ClinVar variation 2697504 (VCV002697504.3), dbSNP rs757918865, ClinGen allele CA398551886.
Genomic context (GRCh38, chr17:17,795,683, plus strand): 5'-CACCCAAGGCCCCACTCATCTGCACCAAGGAGGAGGTGGAGGAGGTGCTGGACTCCAAGG[C>G]CGGCTGGGGCTCTCCGTGCCACCTCTCAGGGGAGTCCGTCATCCTGCTGGGCCCTACAGT-3'
Protein context (NP_109590.3, residues 902-922): EEVEEVLDSK[Ala912Gly]GWGSPCHLSG

ClinVar aggregate classification (germline): Uncertain significance (1 of 4 stars; one submission).

Submission:

Labcorp Genetics (formerly Invitae), Labcorp
Classification: Uncertain significance. Last evaluated: 2023-11-19. Review status: criteria provided, single submitter. Criteria: Invitae Variant Classification Sherloc (09022015). Collection method: clinical testing. Allele origin: germline.
Comment: This sequence change replaces alanine, which is neutral and non-polar, with glycine, which is neutral and non-polar, at codon 912 of the RAI1 protein (p.Ala912Gly). This variant is not present in population databases (gnomAD no frequency). This variant has not been reported in the literature in individuals affected with RAI1-related conditions. Advanced modeling of protein sequence and biophysical properties (such as structural, functional, and spatial information, amino acid conservation, physicochemical variation, residue mobility, and thermodynamic stability) performed at Invitae indicates that this missense variant is not expected to disrupt RAI1 protein function with a negative predictive value of 80%. In summary, the available evidence is currently insufficient to determine the role of this variant in disease. Therefore, it has been classified as a Variant of Uncertain Significance.